The following is an entry in ClinVar:

NM_000138.4(FBN1):c.6740_6871del

Gene: FBN1 (fibrillin 1; minus strand). Cytogenetic location: 15q21.1.
Variant type: Deletion.
Coding change: c.6740_6871del on transcript NM_000138.4; coding-DNA positions 6740 to 6871, 132 bases deleted.
Genome position (GRCh38, 1-based): chr15:48,430,671-48,430,802, 132 bases deleted. GRCh37 (hg19): chr15:48,722,870-48,723,001.
Identifiers: ClinVar variation 560345 (VCV000560345.3), dbSNP rs1566894226, ClinGen allele CA658824925.

ClinVar aggregate classification (germline): Pathogenic (1 of 4 stars; one submission).

Conditions:
Marfan syndrome (MFS). Also called: Marfan syndrome type 1; Marfan's syndrome; Marfan syndrome, classic; FBN1-Related Marfan Syndrome; MARFAN SYNDROME, TYPE I. Identifiers: Orphanet 284963, Orphanet 558, MedGen C0024796, MONDO:0007947, OMIM 154700.

Submission:

Zhou Lab, Center of Laboratory Medicine, Fuwai Hospital
Classification: Pathogenic for Marfan syndrome. Last evaluated: 2018-08-27. Review status: criteria provided, single submitter. Criteria: ACMG Guidelines, 2015. Collection method: research. Allele origin: unknown. Inheritance: Autosomal dominant inheritance. Affected: yes. Observed: 1 variant allele.
Comment: Deletion of exon 56 from gene FBN1.